The following is an entry in ClinVar:

NM_025179.4(PLXNA2):c.4353+3G>A

Gene: PLXNA2 (plexin A2; minus strand). Cytogenetic location: 1q32.2.
Variant type: single nucleotide variant.
Coding change: c.4353+3G>A on transcript NM_025179.4 (MANE Select); 3 bases into the intron after coding-DNA position 4353, G replaced by A.
Molecular consequence: intron variant.
Genome position (GRCh38, 1-based): chr1:208,039,989, C>T on the plus strand (G>A on the coding strand, the complement: PLXNA2 is on the minus strand). VCF-style: chr1-208039989-C-T. GRCh37 (hg19) VCF-style: chr1-208213334-C-T.
Identifiers: ClinVar variation 4982553 (VCV004982553.1).

ClinVar aggregate classification (germline): Likely benign (1 of 4 stars; one submission).

Conditions:
PLXNA2-related disorder. Also called: PLXNA2-related condition.

Submission:

PreventionGenetics, part of Exact Sciences
Classification: Likely benign for PLXNA2-related condition. Last evaluated: 2024-11-26. Review status: criteria provided, single submitter. Criteria: ACMG Guidelines, 2015. Collection method: clinical testing. Allele origin: germline.
Comment: This variant is classified as likely benign based on ACMG/AMP sequence variant interpretation guidelines (Richards et al. 2015 PMID: 25741868, with internal and published modifications).